The following is an entry in ClinVar:

ClinVar aggregate classification (germline): Uncertain significance (1 of 4 stars; one submission).

Submission:

Labcorp Genetics (formerly Invitae), Labcorp
Classification: Uncertain significance. Last evaluated: 2024-11-11. Review status: criteria provided, single submitter. Criteria: Invitae Variant Classification Sherloc (09022015). Collection method: clinical testing. Allele origin: germline.
Comment: This sequence change replaces proline, which is neutral and non-polar, with alanine, which is neutral and non-polar, at codon 198 of the UNC119 protein (p.Pro198Ala). This variant is present in population databases (rs748275791, gnomAD 0.02%). This variant has not been reported in the literature in individuals affected with UNC119-related conditions. ClinVar contains an entry for this variant (Variation ID: 1391508). An algorithm developed to predict the effect of missense changes on protein structure and function outputs the following: PolyPhen-2: "Benign". The alanine amino acid residue is found in multiple mammalian species, which suggests that this missense change does not adversely affect protein function. In summary, the available evidence is currently insufficient to determine the role of this variant in disease. Therefore, it has been classified as a Variant of Uncertain Significance.

NM_005148.4(UNC119):c.592C>G (p.Pro198Ala)

Gene: UNC119 (unc-119 lipid binding chaperone; minus strand). Cytogenetic location: 17q11.2.
Variant type: single nucleotide variant.
Coding change: c.592C>G on transcript NM_005148.4 (MANE Select); coding-DNA position 592, C replaced by G.
Protein change: p.Pro198Ala; replaces proline 198 with alanine.
Molecular consequence: missense variant.
Genome position (GRCh38, 1-based): chr17:28,547,695, G>C on the plus strand (C>G on the coding strand, the complement: UNC119 is on the minus strand). VCF-style: chr17-28547695-G-C. GRCh37 (hg19) VCF-style: chr17-26874713-G-C.
Other names: c.307C>G, p.Pro103Ala (NM_001330166.2); c.592C>G, p.Pro198Ala (NM_054035.2); short protein forms P198A, P103A.
Identifiers: ClinVar variation 1391508 (VCV001391508.6), dbSNP rs748275791, ClinGen allele CA8459746.